The following is an entry in ClinVar:

NM_145059.3(FCSK):c.1636C>T (p.Arg546Cys)

Gene: FCSK (fucose kinase; plus strand). Cytogenetic location: 16q22.1.
Variant type: single nucleotide variant.
Coding change: c.1636C>T on transcript NM_145059.3 (MANE Select); coding-DNA position 1636, C replaced by T.
Protein change: p.Arg546Cys; replaces arginine 546 with cysteine.
Molecular consequence: missense variant.
Genome position (GRCh38, 1-based): chr16:70,473,212, C>T. VCF-style: chr16-70473212-C-T. GRCh37 (hg19) VCF-style: chr16-70507115-C-T.
Other names: short protein forms R546C.
Identifiers: ClinVar variation 3094272 (VCV003094272.4), dbSNP rs745693760, ClinGen allele CA8143396.
Genomic context (GRCh38, chr16:70,473,212, plus strand): 5'-TGGCGCCTGTCCTGGGAGCAGCTGCAGCCGTGCCTGGATCGGGCTGCCACGCTGGCCTCT[C>T]GCCGGGACCTGTTCTTCCGCCAGGCCCTGCATAAGGCGCGGCACGTGCTGGAGGCCCGGC-3'
Protein context (NP_659496.2, residues 536-556): CLDRAATLAS[Arg546Cys]RDLFFRQALH

ClinVar aggregate classification (germline): Uncertain significance. Review status: criteria provided, multiple submitters, no conflicts (2 of 4 stars). 2 submissions from 2 submitters: Uncertain significance (2). Last evaluated 2025-10-30.

Allele frequency attached by ClinVar (database versions not stated): gnomAD 0.00005; TOPMed 0.00006; 1000 Genomes Project 30x 0.00016.
gnomAD v4.1: 39 of 1,536,560 alleles (0.0025%); highest among the groups gnomAD compares: East Asian, 0.051%; no homozygotes.

Submissions (2):

Ambry Genetics
Classification: Uncertain significance. Last evaluated: 2025-10-30. Review status: criteria provided, single submitter. Criteria: Ambry Variant Classification Scheme 2023. Collection method: clinical testing. Allele origin: germline.

Labcorp Genetics (formerly Invitae), Labcorp
Classification: Uncertain significance. Last evaluated: 2024-12-12. Review status: criteria provided, single submitter. Criteria: Invitae Variant Classification Sherloc (09022015). Collection method: clinical testing. Allele origin: germline.
Comment: This sequence change replaces arginine, which is basic and polar, with cysteine, which is neutral and slightly polar, at codon 546 of the FUK protein (p.Arg546Cys). This variant is present in population databases (rs745693760, gnomAD 0.09%), and has an allele count higher than expected for a pathogenic variant. This variant has not been reported in the literature in individuals affected with FUK-related conditions. ClinVar contains an entry for this variant (Variation ID: 3094272). An algorithm developed to predict the effect of missense changes on protein structure and function (PolyPhen-2) suggests that this variant is likely to be disruptive. In summary, the available evidence is currently insufficient to determine the role of this variant in disease. Therefore, it has been classified as a Variant of Uncertain Significance.